The following is an entry in ClinVar:

ClinVar aggregate classification (germline): Uncertain significance (1 of 4 stars; one submission).

Allele frequency attached by ClinVar (database versions not stated): gnomAD exomes below 0.00001.
gnomAD v4.1: 1 of 1,613,178 alleles (0.000062%); highest among the groups gnomAD compares: Non-Finnish European, 0.000085%; no homozygotes.

Submission:

Labcorp Genetics (formerly Invitae), Labcorp
Classification: Uncertain significance. Last evaluated: 2021-07-14. Review status: criteria provided, single submitter. Criteria: Invitae Variant Classification Sherloc (09022015). Collection method: clinical testing. Allele origin: germline.
Comment: In summary, the available evidence is currently insufficient to determine the role of this variant in disease. Therefore, it has been classified as a Variant of Uncertain Significance. This variant disrupts the p.Gly2269 amino acid residue in USH2A. Other variant(s) that disrupt this residue have been observed in individuals with USH2A-related conditions (PMID: 29625443), which suggests that this may be a clinically significant amino acid residue. Algorithms developed to predict the effect of sequence changes on RNA splicing suggest that this variant may disrupt the consensus splice site. Algorithms developed to predict the effect of missense changes on protein structure and function (SIFT, PolyPhen-2, Align-GVGD) all suggest that this variant is likely to be disruptive. This variant has been observed in individual(s) with clinical features of retinitis pigmentosa (Invitae). This variant is not present in population databases (ExAC no frequency). This sequence change replaces glycine with alanine at codon 2269 of the USH2A protein (p.Gly2269Ala). The glycine residue is highly conserved and there is a small physicochemical difference between glycine and alanine.

Literature cited by the submitters: PubMed 29625443.

NM_206933.4(USH2A):c.6806G>C (p.Gly2269Ala)

Gene: USH2A (usherin; minus strand). Cytogenetic location: 1q41.
Variant type: single nucleotide variant.
Coding change: c.6806G>C on transcript NM_206933.4 (MANE Select); coding-DNA position 6806, G replaced by C.
Protein change: p.Gly2269Ala; replaces glycine 2269 with alanine.
Molecular consequence: missense variant.
Genome position (GRCh38, 1-based): chr1:215,970,776, C>G on the plus strand (G>C on the coding strand, the complement: USH2A is on the minus strand). VCF-style: chr1-215970776-C-G. GRCh37 (hg19) VCF-style: chr1-216144118-C-G.
Other names: short protein forms G2269A.
Identifiers: ClinVar variation 1480368 (VCV001480368.8), dbSNP rs1376970919, ClinGen allele CA344854859.